The following is an entry in ClinVar:

ClinVar aggregate classification (germline): Uncertain significance (1 of 4 stars; one submission).

Submission:

CeGaT Center for Human Genetics Tuebingen
Classification: Uncertain significance. Last evaluated: 2025-09-01. Review status: criteria provided, single submitter. Criteria: CeGaT Center For Human Genetics Tuebingen Variant Classification Criteria Version 2. Collection method: clinical testing. Allele origin: germline. Affected: yes. Observed: 1 variant allele.
Comment: ATRX: PM2, PP3

NM_000489.6(ATRX):c.4699+4A>G

Gene: ATRX (ATRX chromatin remodeler; minus strand). Cytogenetic location: Xq21.1.
Variant type: single nucleotide variant.
Coding change: c.4699+4A>G on transcript NM_000489.6 (MANE Select); 4 bases into the intron after coding-DNA position 4699, A replaced by G.
Molecular consequence: intron variant.
Genome position (GRCh38, 1-based): chrX:77,635,911, T>C on the plus strand (A>G on the coding strand, the complement: ATRX is on the minus strand). VCF-style: chrX-77635911-T-C. GRCh37 (hg19) VCF-style: chrX-76891402-T-C.
Other names: c.4585+4A>G (NM_138270.5).
Identifiers: ClinVar variation 4281388 (VCV004281388.7).
Genomic context (GRCh38, chrX:77,635,911, plus strand): 5'-CCTCACACCCAAATATTGGTAAAAATTTAACTAAAAATTATTGAATCATCTAATAGTTTC[T>C]TACCATCTACTTGATGGGGTTTCAATTTGATAACCATATTTCTATGAACCTGCACTAAAG-3'